The following is an entry in ClinVar:

NM_003193.5(TBCE):c.909G>A (p.Thr303=)

Gene: TBCE (tubulin folding cofactor E; plus strand). Cytogenetic location: 1q42.3.
Variant type: single nucleotide variant.
Coding change: c.909G>A on transcript NM_003193.5 (MANE Select); coding-DNA position 909, G replaced by A.
Protein change: p.Thr303=; no amino-acid change (threonine 303 retained).
Molecular consequence: synonymous variant.
Genome position (GRCh38, 1-based): chr1:235,436,554, G>A. VCF-style: chr1-235436554-G-A. GRCh37 (hg19) VCF-style: chr1-235599869-G-A.
Other names: c.909G>A, p.Thr303= (NM_001079515.3); c.1062G>A, p.Thr354= (NM_001287801.2); c.570G>A, p.Thr190= (NM_001287802.2); c.1062G>A (NM_001287801.1).
Identifiers: ClinVar variation 296302 (VCV000296302.41), dbSNP rs202063874, ClinGen allele CA1464264.

ClinVar aggregate classification (germline): Conflicting classifications of pathogenicity. Review status: criteria provided, conflicting classifications (1 of 4 stars). 5 submissions from 5 submitters: Uncertain significance (1); Likely benign (3). 1 of the submissions does not count toward it. Last evaluated 2026-02-01.

Conditions:
TBCE-related disorder. Also called: TBCE-related disorders; TBCE-related condition.
Hypoparathyroidism-retardation-dysmorphism syndrome (HRDS). Also called: SANJAD-SAKATI SYNDROME. Identifiers: Orphanet 2323, MedGen C1855840, MONDO:0009426, OMIM 241410.

Allele frequency attached by ClinVar (database versions not stated): ExAC 0.00007; ESP Exome Variant Server 0.00008; TOPMed 0.00008; gnomAD exomes 0.00009 and 0.00011; gnomAD 0.00012 and 0.00013.
gnomAD v4.1: 175 of 1,613,792 alleles (0.011%); highest among the groups gnomAD compares: African/African-American, 0.028%; no homozygotes.

Submissions (5):

Labcorp Genetics (formerly Invitae), Labcorp
Classification: Likely benign. Last evaluated: 2026-02-01. Review status: criteria provided, single submitter. Criteria: Invitae Variant Classification Sherloc (09022015). Collection method: clinical testing. Allele origin: germline.

Blueprint Genetics
Classification: Likely benign. Last evaluated: 2023-10-16. Review status: criteria provided, single submitter. Criteria: ACMG Guidelines, 2015. Collection method: clinical testing. Allele origin: germline.

CeGaT Center for Human Genetics Tuebingen
Classification: Likely benign. Last evaluated: 2022-08-01. Review status: criteria provided, single submitter. Criteria: CeGaT Center For Human Genetics Tuebingen Variant Classification Criteria Version 2. Collection method: clinical testing. Allele origin: germline. Affected: yes. Observed: 2 variant alleles.
Comment: TBCE: BP4, BP7

Illumina Laboratory Services, Illumina
Classification: Uncertain significance for Hypoparathyroidism-retardation-dysmorphism syndrome. Last evaluated: 2018-01-12. Review status: criteria provided, single submitter. Criteria: ICSL Variant Classification Criteria 13 December 2019. Collection method: clinical testing. Allele origin: germline.

PreventionGenetics, part of Exact Sciences
Classification: Likely benign for TBCE-related condition. Last evaluated: 2019-06-17. Review status: no assertion criteria provided. Collection method: clinical testing. Allele origin: germline. Not counted in ClinVar's aggregate classification.
Comment: This variant is classified as likely benign based on ACMG/AMP sequence variant interpretation guidelines (Richards et al. 2015 PMID: 25741868, with internal and published modifications).